The following is an entry in ClinVar:

ClinVar aggregate classification (germline): Likely pathogenic (1 of 4 stars; one submission).

Conditions:
Usher syndrome type 2A. Also called: RETINAL DISEASE IN USHER SYNDROME TYPE IIA, MODIFIER OF; USHER SYNDROME, TYPE IIA. Identifiers: Orphanet 231178, Orphanet 886, MedGen C1848634, MONDO:0010169, OMIM 276901.

Submission:

Natera, Inc.
Classification: Likely pathogenic for Usher syndrome type 2A. Last evaluated: 2025-05-14. Review status: criteria provided, single submitter. Criteria: Natera Variant Classification Schema (03/2026). Collection method: clinical testing. Allele origin: germline.
Comment: The c.14133+2T>C variant in USH2A is a canonical splice donor site variant predicted to affect pre-mRNA splicing, which may result in an abnormal transcript and altered protein product. This variant is expected to result in nonsense mediated decay, truncation, or a dysfunctional protein product. This variant is rare in the general population with a frequency below the threshold expected for the associated phenotype(s). Given the available evidence, this variant is classified as Likely Pathogenic.

NM_206933.4(USH2A):c.14133+2T>C

Gene: USH2A (usherin; minus strand). Cytogenetic location: 1q41.
Variant type: single nucleotide variant.
Coding change: c.14133+2T>C on transcript NM_206933.4 (MANE Select); the canonical splice donor site of the intron after coding-DNA position 14133, T replaced by C.
Molecular consequence: splice donor variant.
Genome position (GRCh38, 1-based): chr1:215,670,970, A>G on the plus strand (T>C on the coding strand, the complement: USH2A is on the minus strand). VCF-style: chr1-215670970-A-G. GRCh37 (hg19) VCF-style: chr1-215844312-A-G.
Identifiers: ClinVar variation 4062567 (VCV004062567.2).
Genomic context (GRCh38, chr1:215,670,970, plus strand): 5'-ACAGGCAGGTGCTGACGGGTGCAAACAATCAGCTCGAATTGTTTATAATACACATTTCTT[A>G]CCTGATACTCATACTCTGTGAAAGGCAATAGTTCGGAATCTATAAAAGATGTTGAGCTTC-3'